The following is an entry in ClinVar:

NM_004859.4(CLTC):c.2426C>G (p.Pro809Arg)

Gene: CLTC (clathrin heavy chain; plus strand). Cytogenetic location: 17q23.1.
Variant type: single nucleotide variant.
Coding change: c.2426C>G on transcript NM_004859.4 (MANE Select); coding-DNA position 2426, C replaced by G.
Protein change: p.Pro809Arg; replaces proline 809 with arginine.
Molecular consequence: missense variant.
Genome position (GRCh38, 1-based): chr17:59,674,708, C>G. VCF-style: chr17-59674708-C-G. GRCh37 (hg19) VCF-style: chr17-57752069-C-G.
Other names: c.2438C>G, p.Pro813Arg (NM_001288653.2); short protein forms P809R, P813R.
Identifiers: ClinVar variation 1718028 (VCV001718028.5), dbSNP rs752683241, ClinGen allele CA8681402.

ClinVar aggregate classification (germline): Uncertain significance (1 of 4 stars; one submission).

gnomAD v4.1: 5 of 1,610,618 alleles (0.00031%); highest among the groups gnomAD compares: Admixed American, 0.0084%; no homozygotes.

Submission:

Labcorp Genetics (formerly Invitae), Labcorp
Classification: Uncertain significance. Last evaluated: 2022-09-07. Review status: criteria provided, single submitter. Criteria: Invitae Variant Classification Sherloc (09022015). Collection method: clinical testing. Allele origin: germline.
Comment: This sequence change replaces proline, which is neutral and non-polar, with arginine, which is basic and polar, at codon 813 of the CLTC protein (p.Pro813Arg). This variant is present in population databases (rs752683241, gnomAD 0.009%). This variant has not been reported in the literature in individuals affected with CLTC-related conditions. Algorithms developed to predict the effect of missense changes on protein structure and function are either unavailable or do not agree on the potential impact of this missense change (SIFT: "Deleterious"; PolyPhen-2: "Not Available"; Align-GVGD: "Class C0"). In summary, the available evidence is currently insufficient to determine the role of this variant in disease. Therefore, it has been classified as a Variant of Uncertain Significance.